The following is an entry in ClinVar:

NM_016011.5(MECR):c.5G>A (p.Trp2Ter)

Gene: MECR (mitochondrial trans-2-enoyl-CoA reductase; minus strand). Cytogenetic location: 1p35.3.
Variant type: single nucleotide variant.
Coding change: c.5G>A on transcript NM_016011.5 (MANE Select); coding-DNA position 5, G replaced by A.
Protein change: p.Trp2Ter; replaces tryptophan 2 with a stop codon.
Molecular consequence: nonsense. On other transcripts: 5 prime UTR variant (6), non-coding transcript variant (4).
Genome position (GRCh38, 1-based): chr1:29,230,902, C>T on the plus strand (G>A on the coding strand, the complement: MECR is on the minus strand). VCF-style: chr1-29230902-C-T. GRCh37 (hg19) VCF-style: chr1-29557414-C-T.
Other names: c.-351G>A (NM_001024732.4); c.-555G>A (NM_001349711.2); c.-556G>A (NM_001349712.2); c.-433G>A (NM_001349713.2); c.-345G>A (NM_001349714.2); c.5G>A, p.Trp2Ter (NM_001349715.2, NM_001349716.2); c.-138G>A (NM_001349717.2); short protein forms W2*.
Identifiers: ClinVar variation 2799762 (VCV002799762.3), dbSNP rs1683278500, ClinGen allele CA339533671.

ClinVar aggregate classification (germline): Pathogenic (1 of 4 stars; one submission).

Allele frequency attached by ClinVar (database versions not stated): gnomAD exomes below 0.00001; TOPMed below 0.00001.

Submission:

Labcorp Genetics (formerly Invitae), Labcorp
Classification: Pathogenic. Last evaluated: 2023-04-19. Review status: criteria provided, single submitter. Criteria: Invitae Variant Classification Sherloc (09022015). Collection method: clinical testing. Allele origin: germline.
Comment: This sequence change creates a premature translational stop signal (p.Trp2*) in the MECR gene. It is expected to result in an absent or disrupted protein product. Loss-of-function variants in MECR are known to be pathogenic (PMID: 27817865). For these reasons, this variant has been classified as Pathogenic. This variant has not been reported in the literature in individuals affected with MECR-related conditions. This variant is not present in population databases (gnomAD no frequency).

Literature cited by the submitters: PubMed 27817865.